The following is an entry in ClinVar:

NM_000136.3(FANCC):c.854C>T (p.Ala285Val)

Genes: FANCC (FA complementation group C; minus strand), AOPEP (aminopeptidase O (putative); plus strand). Cytogenetic location: 9q22.32.
Variant type: single nucleotide variant.
Coding change: c.854C>T on transcript NM_000136.3 (MANE Select); coding-DNA position 854, C replaced by T.
Protein change: p.Ala285Val; replaces alanine 285 with valine.
Molecular consequence: missense variant.
Genome position (GRCh38, 1-based): chr9:95,126,571, G>A on the plus strand (C>T on the coding strand, the complement: FANCC is on the minus strand). VCF-style: chr9-95126571-G-A. GRCh37 (hg19) VCF-style: chr9-97888853-G-A.
Other names: c.854C>T, p.Ala285Val (NM_001243743.2, NM_001243744.2); short protein forms A285V.
Identifiers: ClinVar variation 1763811 (VCV001763811.2), dbSNP rs1354711465, ClinGen allele CA374109134.

ClinVar aggregate classification (germline): Uncertain significance (1 of 4 stars; one submission).

Conditions:
Hereditary cancer-predisposing syndrome. Also called: Neoplastic Syndromes, Hereditary; Tumor predisposition; Hereditary Cancer Syndrome; Hereditary neoplastic syndrome. Identifiers: Orphanet 140162, MedGen C0027672, MeSH D009386, MONDO:0015356.

Allele frequency attached by ClinVar (database versions not stated): gnomAD 0.00001; TOPMed 0.00002.
gnomAD v4.1: 1 of 1,613,890 alleles (0.000062%); highest among the groups gnomAD compares: East Asian, 0.0022%; no homozygotes.

Submission:

Ambry Genetics
Classification: Uncertain significance for Hereditary cancer-predisposing syndrome. Last evaluated: 2022-10-03. Review status: criteria provided, single submitter. Criteria: Ambry Variant Classification Scheme 2023. Collection method: clinical testing. Allele origin: germline.
Comment: The p.A285V variant (also known as c.854C>T), located in coding exon 8 of the FANCC gene, results from a C to T substitution at nucleotide position 854. The alanine at codon 285 is replaced by valine, an amino acid with similar properties. This amino acid position is conserved. In addition, the in silico prediction for this alteration is inconclusive. Since supporting evidence is limited at this time, the clinical significance of this alteration remains unclear.